The following is an entry in ClinVar:

NM_052947.4(ALPK2):c.5586C>G (p.Asn1862Lys)

Gene: ALPK2 (alpha kinase 2; minus strand). Cytogenetic location: 18q21.31.
Variant type: single nucleotide variant.
Coding change: c.5586C>G on transcript NM_052947.4 (MANE Select); coding-DNA position 5586, C replaced by G.
Protein change: p.Asn1862Lys; replaces asparagine 1862 with lysine.
Molecular consequence: missense variant.
Genome position (GRCh38, 1-based): chr18:58,523,978, G>C on the plus strand (C>G on the coding strand, the complement: ALPK2 is on the minus strand). VCF-style: chr18-58523978-G-C. GRCh37 (hg19) VCF-style: chr18-56191210-G-C.
Other names: short protein forms N1862K.
Identifiers: ClinVar variation 1748443 (VCV001748443.3), dbSNP rs2518866825, ClinGen allele CA402551254.

ClinVar aggregate classification (germline): Uncertain significance (1 of 4 stars; one submission).

Allele frequency attached by ClinVar (database versions not stated): gnomAD exomes below 0.00001.
gnomAD v4.1: 1 of 1,614,176 alleles (0.000062%); highest among the groups gnomAD compares: Non-Finnish European, 0.000085%; no homozygotes.

Submission:

Ambry Genetics
Classification: Uncertain significance. Last evaluated: 2024-07-28. Review status: criteria provided, single submitter. Criteria: Ambry Variant Classification Scheme 2023. Collection method: clinical testing. Allele origin: germline.
Comment: The p.N1862K variant (also known as c.5586C>G), located in coding exon 6 of the ALPK2 gene, results from a C to G substitution at nucleotide position 5586. The asparagine at codon 1862 is replaced by lysine, an amino acid with similar properties. This amino acid position is conserved. In addition, the in silico prediction for this alteration is inconclusive. Since supporting evidence is limited at this time, the clinical significance of this alteration remains unclear.